The following is an entry in ClinVar:

NM_000089.4(COL1A2):c.3584G>C (p.Cys1195Ser)

Gene: COL1A2 (collagen type I alpha 2 chain; plus strand). Cytogenetic location: 7q21.3.
Variant type: single nucleotide variant.
Coding change: c.3584G>C on transcript NM_000089.4 (MANE Select); coding-DNA position 3584, G replaced by C.
Protein change: p.Cys1195Ser; replaces cysteine 1195 with serine.
Molecular consequence: missense variant.
Genome position (GRCh38, 1-based): chr7:94,428,350, G>C. VCF-style: chr7-94428350-G-C. GRCh37 (hg19) VCF-style: chr7-94057662-G-C.
Other names: short protein forms C1195S.
Identifiers: ClinVar variation 2572560 (VCV002572560.4), dbSNP rs72659342, ClinGen allele CA368226298.

ClinVar aggregate classification (germline): Pathogenic/Likely pathogenic. Review status: criteria provided, multiple submitters, no conflicts (2 of 4 stars). 2 submissions from 2 submitters: Pathogenic (1); Likely pathogenic (1). Last evaluated 2024-08-11.

Conditions:
Osteogenesis imperfecta type III (OI3). Also called: Progressively Deforming Osteogenesis Imperfecta; Osteogenesis imperfecta type 3; OI type 3; Osteogenesis imperfecta, progressively deforming with normal sclerae; OI type III. Identifiers: Orphanet 216812, Orphanet 666, MedGen C0268362, MONDO:0009804, OMIM 259420.
Ehlers-Danlos syndrome, classic type, 1 (EDSCL1). Also called: EHLERS-DANLOS SYNDROME, GRAVIS TYPE; EHLERS-DANLOS SYNDROME, SEVERE CLASSIC TYPE; Ehlers-Danlos syndrome, type 1; Ehlers-Danlos Syndrome, Classic Type, COL5A1-Related; EDS I. Identifiers: MedGen C0268335, MONDO:0019567, OMIM 130000.
Osteogenesis imperfecta type I (OI1). Also called: OI, TYPE I; OSTEOGENESIS IMPERFECTA TARDA; OSTEOGENESIS IMPERFECTA WITH BLUE SCLERAE; Osteogenesis imperfecta type 1; Classic Non-deforming Osteogenesis Imperfecta with Blue Sclerae; Lobstein's Disease. Identifiers: Orphanet 216796, Orphanet 666, MedGen C0023931, MONDO:0008146, OMIM 166200. Disease mechanism: loss of function.

Submissions (2):

Labcorp Genetics (formerly Invitae), Labcorp
Classification: Pathogenic for Osteogenesis imperfecta type I; Ehlers-Danlos syndrome, classic type, 1. Last evaluated: 2024-08-11. Review status: criteria provided, single submitter. Criteria: Invitae Variant Classification Sherloc (09022015). Collection method: clinical testing. Allele origin: germline.
Comment: This sequence change replaces cysteine, which is neutral and slightly polar, with serine, which is neutral and polar, at codon 1195 of the COL1A2 protein (p.Cys1195Ser). This variant is not present in population databases (gnomAD no frequency). This missense change has been observed in individual(s) with osteogenesis imperfecta (Invitae). ClinVar contains an entry for this variant (Variation ID: 2572560). Advanced modeling of protein sequence and biophysical properties (such as structural, functional, and spatial information, amino acid conservation, physicochemical variation, residue mobility, and thermodynamic stability) performed at Invitae indicates that this missense variant is expected to disrupt COL1A2 protein function with a positive predictive value of 95%. This variant disrupts the p.Cys1195 amino acid residue in COL1A2. Other variant(s) that disrupt this residue have been determined to be pathogenic (PMID: 30715774). This suggests that this residue is clinically significant, and that variants that disrupt this residue are likely to be disease-causing. For these reasons, this variant has been classified as Pathogenic.

3billion
Classification: Likely pathogenic for Osteogenesis imperfecta type III. Review status: criteria provided, single submitter. Criteria: ACMG Guidelines, 2015. Collection method: clinical testing. Allele origin: unknown. Affected: yes. Observed: 1 heterozygote.
Comment: The variant is not observed in the gnomAD v2.1.1 dataset. Missense changes are a common disease-causing mechanism. In silico tool predictions suggest damaging effect of the variant on gene or gene product (REVEL: 0.91; 3Cnet: 0.20). Different missense changes at the same codon (p.Cys1195Arg, p.Cys1195Tyr) have been reported as pathogenic/likely pathogenic with strong evidence (ClinVar ID: VCV001498972 / PMID: 16786509, 30715774). Therefore, this variant is classified as Likely pathogenic according to the recommendation of ACMG/AMP guideline.

Literature cited by the submitters: PubMed 30715774 (cited by Labcorp Genetics (formerly Invitae), Labcorp and 3billion); PubMed 16786509 (cited by 3billion).